The following is an entry in ClinVar:

ClinVar aggregate classification (germline): Pathogenic (1 of 4 stars; one submission).

Submission:

Labcorp Genetics (formerly Invitae), Labcorp
Classification: Pathogenic. Last evaluated: 2024-04-15. Review status: criteria provided, single submitter. Criteria: Invitae Variant Classification Sherloc (09022015). Collection method: clinical testing. Allele origin: germline.
Comment: This sequence change creates a premature translational stop signal (p.Ile792Aspfs*15) in the DOCK6 gene. It is expected to result in an absent or disrupted protein product. Loss-of-function variants in DOCK6 are known to be pathogenic (PMID: 21820096, 25824905). This variant is not present in population databases (gnomAD no frequency). This variant has not been reported in the literature in individuals affected with DOCK6-related conditions. For these reasons, this variant has been classified as Pathogenic.

Literature cited by the submitters: PubMed 21820096; PubMed 25824905.

NM_020812.4(DOCK6):c.2372dup (p.Ile792fs)

Gene: DOCK6 (dedicator of cytokinesis 6; minus strand). Cytogenetic location: 19p13.2.
Variant type: Duplication.
Coding change: c.2372dup on transcript NM_020812.4 (MANE Select); coding-DNA position 2372, one base duplicated (C; older notation c.2372dupC).
Protein change: p.Ile792fs; shifts the reading frame from isoleucine 792.
Molecular consequence: frameshift variant.
Genome position (GRCh38, 1-based): chr19:11,236,366, G duplicated on the plus strand (C on the coding strand, the reverse complement: DOCK6 is on the minus strand); the first of 5 consecutive G bases (chr19:11,236,366-11,236,370); duplicating any one gives the same sequence. VCF-style (leftmost placement, unchanged base first): chr19-11236365-C-CG. GRCh37 (hg19) VCF-style: chr19-11347041-C-CG.
Other names: c.2372dup, p.Ile792fs (NM_001367830.1); short protein forms I792fs.
Identifiers: ClinVar variation 3671226 (VCV003671226.2).